The following is an entry in ClinVar:

ClinVar aggregate classification (germline): Uncertain significance (1 of 4 stars; one submission).

Conditions:
Heterotopia, periventricular, X-linked dominant (PVNH1). Also called: PERIVENTRICULAR NODULAR HETEROTOPIA 4; HETEROTOPIA, PERIVENTRICULAR, 1; PERIVENTRICULAR NODULAR HETEROTOPIA 1; X-linked periventricular heterotopia. Identifiers: Orphanet 2149, Orphanet 82004, MedGen C1848213, MONDO:0010233, OMIM 300049.
Oto-palato-digital syndrome, type II (OPD2). Also called: Otopalatodigital Syndrome, Type II; FACIOPALATOOSSEOUS SYNDROME; OPD II SYNDROME; Otopalatodigital Syndrome Type 2 (FLNA-OPD2). Identifiers: Orphanet 669, Orphanet 90652, MedGen C1844696, MONDO:0010571, OMIM 304120.
Melnick-Needles syndrome (MNS). Also called: MELNICK-NEEDLES OSTEODYSPLASTY; OSTEODYSPLASTY OF MELNICK AND NEEDLES; Melnick-Needles Syndrome (FLNA-MNS). Identifiers: Orphanet 2484, MedGen C0025237, MONDO:0010650, OMIM 309350.
Frontometaphyseal dysplasia (FMD1). Identifiers: Orphanet 1826, MedGen C0265293, MONDO:0015942.

Allele frequency attached by ClinVar (database versions not stated): gnomAD exomes below 0.00001.
gnomAD v4.1: 1 of 1,211,659 alleles (0.000083%); highest among the groups gnomAD compares: Non-Finnish European, 0.00011%; no homozygotes.

Submission:

Labcorp Genetics (formerly Invitae), Labcorp
Classification: Uncertain significance for Oto-palato-digital syndrome, type II; Heterotopia, periventricular, X-linked dominant; Frontometaphyseal dysplasia; Melnick-Needles syndrome. Last evaluated: 2025-11-09. Review status: criteria provided, single submitter. Criteria: Invitae Variant Classification Sherloc (09022015). Collection method: clinical testing. Allele origin: germline.
Comment: This sequence change replaces leucine, which is neutral and non-polar, with proline, which is neutral and non-polar, at codon 2393 of the FLNA protein (p.Leu2393Pro). This variant is not present in population databases (gnomAD no frequency). This variant has not been reported in the literature in individuals affected with FLNA-related conditions. ClinVar contains an entry for this variant (Variation ID: 644112). Invitae Evidence Modeling of protein sequence and biophysical properties (such as structural, functional, and spatial information, amino acid conservation, physicochemical variation, residue mobility, and thermodynamic stability) indicates that this missense variant is not expected to disrupt FLNA protein function with a negative predictive value of 95%. In summary, the available evidence is currently insufficient to determine the role of this variant in disease. Therefore, it has been classified as a Variant of Uncertain Significance.

NM_001110556.2(FLNA):c.7202T>C (p.Leu2401Pro)

Gene: FLNA (filamin A; minus strand). Cytogenetic location: Xq28.
Variant type: single nucleotide variant.
Coding change: c.7202T>C on transcript NM_001110556.2 (MANE Select); coding-DNA position 7202, T replaced by C.
Protein change: p.Leu2401Pro; replaces leucine 2401 with proline.
Molecular consequence: missense variant.
Genome position (GRCh38, 1-based): chrX:154,350,162, A>G on the plus strand (T>C on the coding strand, the complement: FLNA is on the minus strand). VCF-style: chrX-154350162-A-G. GRCh37 (hg19) VCF-style: chrX-153578530-A-G.
Other names: c.7178T>C, p.Leu2393Pro (NM_001456.4); short protein forms L2401P, L2393P.
Identifiers: ClinVar variation 644112 (VCV000644112.10), dbSNP rs1603358629, ClinGen allele CA415184203.
Genomic context (GRCh38, chrX:154,350,162, plus strand): 5'-CCAACTCGGATCTTGAAGGGGCTTCCAGGGATGTGGGTGCCGTTGAACTTGACGTCAATC[A>G]GGTAAACGCCATTCTCCCGAGGGATGAAGCGCACAGCATACTTATCTGAGGAGCAGGGAG-3'
Protein context (NP_001104026.1, residues 2391-2411): RFIPRENGVY[Leu2401Pro]IDVKFNGTHI